The following is an entry in ClinVar:

NM_007294.4(BRCA1):c.5238C>G (p.His1746Gln)

Gene: BRCA1 (BRCA1 DNA repair associated; minus strand). Cytogenetic location: 17q21.31.
Variant type: single nucleotide variant.
Coding change: c.5238C>G on transcript NM_007294.4 (MANE Select); coding-DNA position 5238, C replaced by G.
Protein change: p.His1746Gln; replaces histidine 1746 with glutamine.
Molecular consequence: missense variant. On other transcripts: non-coding transcript variant (1).
Genome position (GRCh38, 1-based): chr17:43,057,091, G>C on the plus strand (C>G on the coding strand, the complement: BRCA1 is on the minus strand). VCF-style: chr17-43057091-G-C. GRCh37 (hg19) VCF-style: chr17-41209108-G-C.
Other names: c.5025C>G, p.His1675Gln (NM_001407571.1, NM_001407894.1, NM_001407895.1 and 12 more transcripts); c.5304C>G, p.His1768Gln (NM_001407581.1, NM_001407582.1); c.5301C>G, p.His1767Gln (NM_001407583.1, NM_001407585.1, NM_001407587.1 and 1 more transcripts); c.5298C>G, p.His1766Gln (NM_001407590.1, NM_001407591.1); c.5238C>G, p.His1746Gln (NM_001407593.1, NM_001407594.1, NM_001407596.1 and 7 more transcripts); c.1926C>G, p.His642Gln (NM_007298.4, NM_007299.4, NM_007304.2 and 13 more transcripts); c.5235C>G, p.His1745Gln (NM_001407610.1, NM_001407611.1, NM_001407622.1 and 17 more transcripts); c.5232C>G, p.His1744Gln (NM_001407627.1, NM_001407628.1, NM_001407629.1 and 14 more transcripts); and 72 more; short protein forms H1746Q, H1699Q, H1767Q, H642Q, H1617Q, H1618Q, H1657Q, H1658Q.
Identifiers: ClinVar variation 185702 (VCV000185702.18), dbSNP rs786202389, ClinGen allele CA003378.

ClinVar aggregate classification (germline): Uncertain significance. Review status: criteria provided, multiple submitters, no conflicts (2 of 4 stars). 5 submissions from 5 submitters: Uncertain significance (5). Last evaluated 2025-07-14.

Conditions:
Hereditary breast ovarian cancer syndrome. Also called: Hereditary breast and ovarian cancer syndrome; Hereditary breast and ovarian cancer syndrome (HBOC); BRCA1- and BRCA2-Associated Hereditary Breast and Ovarian Cancer; Breast and ovarian cancer; Hereditary breast and ovarian cancer; Hereditary breast and/or ovarian cancer syndrome. Identifiers: Orphanet 145, MedGen C0677776, MeSH D061325, MONDO:0003582. Disease mechanism: loss of function.
Hereditary cancer-predisposing syndrome. Also called: Hereditary Cancer Syndrome; Hereditary neoplastic syndrome; Tumor predisposition; Neoplastic Syndromes, Hereditary. Identifiers: Orphanet 140162, MedGen C0027672, MeSH D009386, MONDO:0015356.
Breast-ovarian cancer, familial, susceptibility to, 1 (BROVCA1). Also called: OVARIAN CANCER, SUSCEPTIBILITY TO; BRCA1 Hereditary Breast and Ovarian Cancer. Identifiers: Orphanet 145, MedGen C2676676, MONDO:0011450, OMIM 604370. Disease mechanism: loss of function.
Inherited breast cancer and ovarian cancer.

Submissions (6):

Labcorp Genetics (formerly Invitae), Labcorp
Classification: Uncertain significance for Hereditary breast ovarian cancer syndrome. Last evaluated: 2025-07-14. Review status: criteria provided, single submitter. Criteria: Invitae Variant Classification Sherloc (09022015). Collection method: clinical testing. Allele origin: germline.
Comment: This sequence change replaces histidine, which is basic and polar, with glutamine, which is neutral and polar, at codon 1746 of the BRCA1 protein (p.His1746Gln). This variant is not present in population databases (gnomAD no frequency). This variant has not been reported in the literature in individuals affected with BRCA1-related conditions. ClinVar contains an entry for this variant (Variation ID: 185702). Invitae Evidence Modeling of protein sequence and biophysical properties (such as structural, functional, and spatial information, amino acid conservation, physicochemical variation, residue mobility, and thermodynamic stability) indicates that this missense variant is not expected to disrupt BRCA1 protein function with a negative predictive value of 95%. Experimental studies are conflicting or provide insufficient evidence to determine the effect of this variant on BRCA1 function (PMID: 23867111, 30209399, 32546644). In summary, the available evidence is currently insufficient to determine the role of this variant in disease. Therefore, it has been classified as a Variant of Uncertain Significance.

Genomics and Molecular Medicine Service, East Genomic Laboratory Hub, NHS Genomic Medicine Service
Classification: Uncertain significance for Inherited breast cancer and ovarian cancer. Last evaluated: 2025-06-24. Review status: criteria provided, single submitter. Criteria: ACGS Best Practice Guidelines for Variant Classification in Rare Disease 2020. Collection method: clinical testing. Allele origin: germline. Affected: yes.
Comment: PM1_Supporting,PM2

Ambry Genetics
Classification: Uncertain significance for Hereditary cancer-predisposing syndrome. Last evaluated: 2024-06-07. Review status: criteria provided, single submitter. Criteria: Ambry Variant Classification Scheme 2023. Collection method: clinical testing. Allele origin: germline.
Comment: The p.H1746Q variant (also known as c.5238C>G), located in coding exon 18 of the BRCA1 gene, results from a C to G substitution at nucleotide position 5238. The histidine at codon 1746 is replaced by glutamine, an amino acid with highly similar properties. In one study, a cDNA-based functional assay to classify variants based on their ability to functionally complement BRCA1-deficient mouse embryonic stem cells yielded conflicting results on this alteration and authors remarked that the classification of this alteration was 'not clear' (Bouwman P et al. Cancer Discov, 2013 Oct;3:1142-55). Another functional study found that this nucleotide substitution demonstrated intermediate function in a high-throughput, genome editing, haploid cell survival assay (Findlay GM et al. Nature, 2018 10;562:217-222). Additionally, this alteration demonstrated conflicting results in drug sensitivity assays (Bouwman P et al. Clin Cancer Res, 2020 09;26:4559-4568). This amino acid position is highly conserved in available vertebrate species. In addition, this alteration is predicted to be deleterious by in silico analysis. Since supporting evidence is limited at this time, the clinical significance of this alteration remains unclear.

Baylor Genetics
Classification: Uncertain significance for Breast-ovarian cancer, familial, susceptibility to, 1. Last evaluated: 2024-02-13. Review status: criteria provided, single submitter. Criteria: ACMG Guidelines, 2015. Collection method: clinical testing. Allele origin: unknown.

Color Diagnostics, LLC DBA Color Health
Classification: Uncertain significance for Hereditary cancer-predisposing syndrome. Last evaluated: 2020-12-23. Review status: criteria provided, single submitter. Criteria: ACMG Guidelines, 2015. Collection method: clinical testing. Allele origin: germline.
Comment: This missense variant replaces histidine with glutamine at codon 1746 of the BRCA1 protein. Computational prediction is inconclusive regarding the impact of this variant on protein structure and function (internally defined REVEL score threshold 0.5 < inconclusive < 0.7, PMID: 27666373). Functional assays have found conflicting results for this variant protein. This variant was found to be partially functional in a human haploid cell proliferation assay (PMID:Â¬â€ 30209399), while a mouse embryonic stem cell model found this variant be defective in an olaparib-sensitivity and homology-directed DNA repair assays (PMID: 32546644) but ambivalent to normal activities in a cisplatin-sensitivity assay (PMID: 23867111, 32546644). This variant has not been reported in individuals affected with hereditary cancer in the literature. This variant has not been identified in the general population by the Genome Aggregation Database (gnomAD). The available evidence is insufficient to determine the role of this variant in disease conclusively. Therefore, this variant is classified as a Variant of Uncertain Significance.

Brotman Baty Institute, University of Washington
No classification provided (evidence only). Condition: Breast-ovarian cancer, familial 1. Review status: no classification provided. Collection method: in vitro. Allele origin: not applicable. Functional consequence: function_uncertain_variant. Not counted in ClinVar's aggregate classification.
ClinVar note: "not provided" was previously submitted as the classification for the variant. However, the classification appeared to be based only on an observation of functional data so it was converted to no classification on 2025-07-30.

Literature cited by the submitters: PubMed 23867111 (cited by Labcorp Genetics (formerly Invitae), Labcorp and Ambry Genetics); PubMed 30209399 (cited by Labcorp Genetics (formerly Invitae), Labcorp and Ambry Genetics); PubMed 32546644 (cited by Labcorp Genetics (formerly Invitae), Labcorp and Ambry Genetics).